The following is an entry in ClinVar:

ClinVar aggregate classification (germline): Uncertain significance. Review status: criteria provided, multiple submitters, no conflicts (2 of 4 stars). 4 submissions from 4 submitters: Uncertain significance (3). 1 of the submissions does not count toward it. Last evaluated 2024-12-10.

Conditions:
Inborn genetic diseases. Identifiers: MedGen C0950123, MeSH D030342.
Nemaline myopathy 2 (NEM2). Also called: Nemaline myopathy 2, autosomal recessive. Identifiers: MedGen C1850569, MONDO:0009725, OMIM 256030.

Allele frequency attached by ClinVar (database versions not stated): ExAC 0.00004; ESP Exome Variant Server 0.00008; gnomAD 0.00010; TOPMed 0.00026.
gnomAD v4.1: 54 of 1,611,698 alleles (0.0034%); highest among the groups gnomAD compares: African/African-American, 0.069%; no homozygotes.

Submissions (4):

Labcorp Genetics (formerly Invitae), Labcorp
Classification: Uncertain significance for Nemaline myopathy 2. Last evaluated: 2024-12-10. Review status: criteria provided, single submitter. Criteria: Invitae Variant Classification Sherloc (09022015). Collection method: clinical testing. Allele origin: germline.
Comment: This sequence change replaces glutamine, which is neutral and polar, with arginine, which is basic and polar, at codon 877 of the NEB protein (p.Gln877Arg). This variant is present in population databases (rs373892420, gnomAD 0.05%). This variant has not been reported in the literature in individuals affected with NEB-related conditions. ClinVar contains an entry for this variant (Variation ID: 582770). Experimental studies and prediction algorithms are not available or were not evaluated, and the functional significance of this variant is currently unknown. In summary, the available evidence is currently insufficient to determine the role of this variant in disease. Therefore, it has been classified as a Variant of Uncertain Significance.

Ambry Genetics
Classification: Uncertain significance for Inborn genetic diseases. Last evaluated: 2024-04-19. Review status: criteria provided, single submitter. Criteria: Ambry Variant Classification Scheme 2023. Collection method: clinical testing. Allele origin: germline.

Revvity Omics, Revvity
Classification: Uncertain significance. Last evaluated: 2023-08-16. Review status: criteria provided, single submitter. Criteria: ACMG Guidelines, 2015. Collection method: clinical testing. Allele origin: germline.

Natera, Inc.
Classification: Uncertain significance for Nemaline myopathy type 2. Last evaluated: 2019-11-11. Review status: no assertion criteria provided. Collection method: clinical testing. Allele origin: germline. Not counted in ClinVar's aggregate classification.

NM_001164508.2(NEB):c.2630A>G (p.Gln877Arg)

Gene: NEB (nebulin; minus strand). Cytogenetic location: 2q23.3.
Variant type: single nucleotide variant.
Coding change: c.2630A>G on transcript NM_001164508.2 (MANE Select); coding-DNA position 2630, A replaced by G.
Protein change: p.Gln877Arg; replaces glutamine 877 with arginine.
Molecular consequence: missense variant.
Genome position (GRCh38, 1-based): chr2:151,687,426, T>C on the plus strand (A>G on the coding strand, the complement: NEB is on the minus strand). VCF-style: chr2-151687426-T-C. GRCh37 (hg19) VCF-style: chr2-152543940-T-C.
Other names: c.2630A>G (NM_004543.4); c.2630A>G, p.Gln877Arg (NM_001164507.2, NM_001271208.2, NM_004543.5); short protein forms Q877R.
Identifiers: ClinVar variation 582770 (VCV000582770.9), dbSNP rs373892420, ClinGen allele CA1911174.